The following is an entry in ClinVar:

ClinVar aggregate classification (germline): Likely benign. Review status: criteria provided, multiple submitters, no conflicts (2 of 4 stars). 5 submissions from 5 submitters: Likely benign (4). 1 of the submissions does not count toward it. Last evaluated 2025-02-09.

Conditions:
Hereditary breast ovarian cancer syndrome. Also called: Breast and ovarian cancer; Hereditary breast and/or ovarian cancer syndrome; BRCA1- and BRCA2-Associated Hereditary Breast and Ovarian Cancer; Hereditary breast and ovarian cancer syndrome; Hereditary breast and ovarian cancer syndrome (HBOC); Hereditary breast and ovarian cancer. Identifiers: Orphanet 145, MedGen C0677776, MeSH D061325, MONDO:0003582. Disease mechanism: loss of function.
Breast-ovarian cancer, familial, susceptibility to, 1 (BROVCA1). Also called: BRCA1 Hereditary Breast and Ovarian Cancer; OVARIAN CANCER, SUSCEPTIBILITY TO. Identifiers: Orphanet 145, MedGen C2676676, MONDO:0011450, OMIM 604370. Disease mechanism: loss of function.
Hereditary cancer-predisposing syndrome. Also called: Tumor predisposition; Hereditary Cancer Syndrome; Hereditary neoplastic syndrome; Neoplastic Syndromes, Hereditary. Identifiers: Orphanet 140162, MedGen C0027672, MeSH D009386, MONDO:0015356.

Submissions (5):

Ambry Genetics
Classification: Likely benign for Hereditary cancer-predisposing syndrome. Last evaluated: 2025-02-09. Review status: criteria provided, single submitter. Criteria: Ambry Variant Classification Scheme 2023. Collection method: clinical testing. Allele origin: germline.

Labcorp Genetics (formerly Invitae), Labcorp
Classification: Likely benign for Hereditary breast ovarian cancer syndrome. Last evaluated: 2024-04-05. Review status: criteria provided, single submitter. Criteria: Invitae Variant Classification Sherloc (09022015). Collection method: clinical testing. Allele origin: germline.

Sema4
Classification: Likely benign for Hereditary cancer-predisposing syndrome. Last evaluated: 2021-04-01. Review status: criteria provided, single submitter. Criteria: Sema4 Curation Guidelines. Collection method: curation. Allele origin: germline.

Color Diagnostics, LLC DBA Color Health
Classification: Likely benign for Hereditary cancer-predisposing syndrome. Last evaluated: 2017-03-23. Review status: criteria provided, single submitter. Criteria: ACMG Guidelines, 2015. Collection method: clinical testing. Allele origin: germline.

Department of Pathology and Laboratory Medicine, Sinai Health System
Classification: Uncertain significance for Breast-ovarian cancer, familial, susceptibility to, 1. Review status: no assertion criteria provided. Collection method: clinical testing. Allele origin: unknown. Affected: yes. Study: The Canadian Open Genetics Repository (COGR). Not counted in ClinVar's aggregate classification.
Comment: The BRCA1 p.Ile532= variant was not identified in the literature nor was it identified in the dbSNP or LOVD 3.0 databases. The variant was identified in ClinVar (classified as likely benign by Color Genomics), and UMD-LSDB (classified as a polymorphism).The variant was not identified in the following control databases: the Exome Aggregation Consortium (August 8th 2016), or the Genome Aggregation Database (Feb 27, 2017). The p.Ile532= variant is not expected to have clinical significance because it does not result in a change of amino acid and is not located in a known consensus splice site. The variant occurs outside of the splicing consensus sequence and 1 of 4 in silico or computational prediction software programs (SpliceSiteFinder, MaxEntScan, NNSPLICE, GeneSplicer) predict a greater than 10% difference in splicing; this is not very predictive of pathogenicity. In summary, based on the above information the clinical significance of this variant cannot be determined with certainty at this time. This variant is classified as a variant of uncertain significance.

NM_007294.4(BRCA1):c.1596A>T (p.Ile532=)

Gene: BRCA1 (BRCA1 DNA repair associated; minus strand). Cytogenetic location: 17q21.31.
Variant type: single nucleotide variant.
Coding change: c.1596A>T on transcript NM_007294.4 (MANE Select); coding-DNA position 1596, A replaced by T.
Protein change: p.Ile532=; no amino-acid change (isoleucine 532 retained).
Molecular consequence: synonymous variant. On other transcripts: intron variant (137).
Genome position (GRCh38, 1-based): chr17:43,093,935, T>A on the plus strand (A>T on the coding strand, the complement: BRCA1 is on the minus strand). VCF-style: chr17-43093935-T-A. GRCh37 (hg19) VCF-style: chr17-41245952-T-A.
Other names: c.1383A>T, p.Ile461= (NM_001407571.1, NM_001407853.1, NM_001407894.1 and 9 more transcripts); c.1596A>T, p.Ile532= (NM_001407581.1, NM_001407582.1, NM_001407583.1 and 30 more transcripts); c.1593A>T, p.Ile531= (NM_001407587.1, NM_001407590.1, NM_001407591.1 and 22 more transcripts); c.1587A>T, p.Ile529= (NM_001407646.1, NM_001407647.1); c.1473A>T, p.Ile491= (NM_001407648.1, NM_001407664.1, NM_001407665.1 and 19 more transcripts); c.1470A>T, p.Ile490= (NM_001407649.1, NM_001407670.1, NM_001407671.1 and 11 more transcripts); c.1518A>T, p.Ile506= (NM_001407653.1, NM_001407654.1, NM_001407655.1 and 4 more transcripts); c.1515A>T, p.Ile505= (NM_001407659.1, NM_001407660.1, NM_001407661.1 and 1 more transcripts); and 40 more.
Identifiers: ClinVar variation 491035 (VCV000491035.15), dbSNP rs1555591508, ClinGen allele CA500233362.